The following is an entry in ClinVar:

NM_001142864.4(PIEZO1):c.4713C>G (p.Ser1571Arg)

Gene: PIEZO1 (piezo type mechanosensitive ion channel component 1 (Er blood group); minus strand). Cytogenetic location: 16q24.3.
Variant type: single nucleotide variant.
Coding change: c.4713C>G on transcript NM_001142864.4 (MANE Select); coding-DNA position 4713, C replaced by G.
Protein change: p.Ser1571Arg; replaces serine 1571 with arginine.
Molecular consequence: missense variant.
Genome position (GRCh38, 1-based): chr16:88,722,645, G>C on the plus strand (C>G on the coding strand, the complement: PIEZO1 is on the minus strand). VCF-style: chr16-88722645-G-C. GRCh37 (hg19) VCF-style: chr16-88789053-G-C.
Other names: p.Ser1571Arg; c.4713C>G (NM_001142864.2); short protein forms S1571R.
Identifiers: ClinVar variation 1566394 (VCV001566394.11), dbSNP rs564248341, ClinGen allele CA8232065.

ClinVar aggregate classification (germline): Conflicting classifications of pathogenicity. Review status: criteria provided, conflicting classifications (1 of 4 stars). 5 submissions from 5 submitters: Uncertain significance (2); Likely benign (3). Last evaluated 2025-10-27.

Conditions:
Inborn genetic diseases. Identifiers: MedGen C0950123, MeSH D030342.

Allele frequency attached by ClinVar (database versions not stated): ExAC 0.00031.
gnomAD v4.1: 236 of 1,538,628 alleles (0.015%); highest among the groups gnomAD compares: Middle Eastern, 0.1%; no homozygotes.

Submissions (5):

Labcorp Genetics (formerly Invitae), Labcorp
Classification: Likely benign. Last evaluated: 2025-10-27. Review status: criteria provided, single submitter. Criteria: Invitae Variant Classification Sherloc (09022015). Collection method: clinical testing. Allele origin: germline.

Mayo Clinic Laboratories, Mayo Clinic
Classification: Uncertain significance. Last evaluated: 2025-07-30. Review status: criteria provided, single submitter. Criteria: ACMG Guidelines, 2015. Collection method: clinical testing. Allele origin: germline. Observed: 3 variant alleles.
Comment: BP4_moderate, PM2_supporting

Blueprint Genetics
Classification: Likely benign. Last evaluated: 2024-09-18. Review status: criteria provided, single submitter. Criteria: ACMG Guidelines, 2015. Collection method: clinical testing. Allele origin: germline.

Ambry Genetics
Classification: Uncertain significance for Inborn genetic diseases. Last evaluated: 2021-09-27. Review status: criteria provided, single submitter. Criteria: Ambry Variant Classification Scheme 2023. Collection method: clinical testing. Allele origin: germline.

Breakthrough Genomics
Classification: Likely benign. Review status: criteria provided, single submitter. Criteria: ACMG Guidelines, 2015. Collection method: not provided. Allele origin: germline. Inheritance: Autosomal recessive inheritance. Affected: yes.